The following is an entry in ClinVar:

NM_001378452.1(ITPR1):c.581A>G (p.His194Arg)

Gene: ITPR1 (inositol 1,4,5-trisphosphate receptor type 1; plus strand). Cytogenetic location: 3p26.1.
Variant type: single nucleotide variant.
Coding change: c.581A>G on transcript NM_001378452.1 (MANE Select); coding-DNA position 581, A replaced by G.
Protein change: p.His194Arg; replaces histidine 194 with arginine.
Molecular consequence: missense variant.
Genome position (GRCh38, 1-based): chr3:4,644,191, A>G. VCF-style: chr3-4644191-A-G. GRCh37 (hg19) VCF-style: chr3-4685875-A-G.
Other names: c.581A>G, p.His194Arg (NM_001099952.4, NM_001168272.2, NM_002222.7); short protein forms H194R.
Identifiers: ClinVar variation 4746321 (VCV004746321.1).

ClinVar aggregate classification (germline): Uncertain significance (1 of 4 stars; one submission).

gnomAD v4.1: 2 of 1,611,534 alleles (0.00012%); highest among the groups gnomAD compares: South Asian, 0.0011%; no homozygotes.

Submission:

Labcorp Genetics (formerly Invitae), Labcorp
Classification: Uncertain significance. Last evaluated: 2025-07-06. Review status: criteria provided, single submitter. Criteria: Invitae Variant Classification Sherloc (09022015). Collection method: clinical testing. Allele origin: germline.
Comment: This sequence change replaces histidine, which is basic and polar, with arginine, which is basic and polar, at codon 194 of the ITPR1 protein (p.His194Arg). This variant is present in population databases (rs774859879, gnomAD 0.003%). This variant has not been reported in the literature in individuals affected with ITPR1-related conditions. Invitae Evidence Modeling of protein sequence and biophysical properties (such as structural, functional, and spatial information, amino acid conservation, physicochemical variation, residue mobility, and thermodynamic stability) indicates that this missense variant is expected to disrupt ITPR1 protein function with a positive predictive value of 80%. In summary, the available evidence is currently insufficient to determine the role of this variant in disease. Therefore, it has been classified as a Variant of Uncertain Significance.